The following is an entry in ClinVar:

ClinVar aggregate classification (germline): Likely benign (0 of 4 stars; one submission).

Conditions:
KNG1-related disorder. Also called: KNG1-related condition.

Allele frequency attached by ClinVar (database versions not stated): gnomAD exomes below 0.00001; ExAC 0.00001.
gnomAD v4.1: 1 of 1,614,142 alleles (0.000062%); highest among the groups gnomAD compares: South Asian, 0.0011%; no homozygotes.

Submission:

PreventionGenetics, part of Exact Sciences
Classification: Likely benign for KNG1-related condition. Last evaluated: 2019-04-04. Review status: no assertion criteria provided. Collection method: clinical testing. Allele origin: germline.
Comment: This variant is classified as likely benign based on ACMG/AMP sequence variant interpretation guidelines (Richards et al. 2015 PMID: 25741868, with internal and published modifications).

NM_001102416.3(KNG1):c.1254T>C (p.Asp418=)

Gene: KNG1 (kininogen 1; plus strand). Cytogenetic location: 3q27.3.
Variant type: single nucleotide variant.
Coding change: c.1254T>C on transcript NM_001102416.3 (MANE Select); coding-DNA position 1254, T replaced by C.
Protein change: p.Asp418=; no amino-acid change (aspartic acid 418 retained).
Molecular consequence: synonymous variant. On other transcripts: intron variant (2).
Genome position (GRCh38, 1-based): chr3:186,741,650, T>C. VCF-style: chr3-186741650-T-C. GRCh37 (hg19) VCF-style: chr3-186459439-T-C.
Other names: c.1203+51T>C (NM_000893.4); c.1095+51T>C (NM_001166451.2).
Identifiers: ClinVar variation 3058543 (VCV003058543.2), dbSNP rs767631674, ClinGen allele CA2746427.